The following is an entry in ClinVar:

ClinVar aggregate classification (germline): Uncertain significance. Review status: criteria provided, multiple submitters, no conflicts (2 of 4 stars). 3 submissions from 3 submitters: Uncertain significance (3). Last evaluated 2023-03-06.

Conditions:
Vitamin K-dependent clotting factors, combined deficiency of, type 1. Also called: FACTORS II, VII, IX, AND X, COMBINED DEFICIENCY OF; FAMILIAL MULTIPLE COAGULATION FACTOR DEFICIENCY III; FMFD III; GLUTAMIC ACID, DEFICIENT GAMMA-CARBOXYLATION OF; MULTIPLE COAGULATION FACTOR DEFICIENCY III; VITAMIN K-DEPENDENT COAGULATION DEFECT. Identifiers: Orphanet 98434, MedGen C1848534, MONDO:0010187, OMIM 277450.
Inborn genetic diseases. Identifiers: MedGen C0950123, MeSH D030342.

Allele frequency attached by ClinVar (database versions not stated): ExAC 0.00003; gnomAD 0.00004; gnomAD exomes 0.00005 and 0.00009; TOPMed 0.00005; ESP Exome Variant Server 0.00015; 1000 Genomes Project 30x 0.00016; 1000 Genomes Project 0.00020.
gnomAD v4.1: 141 of 1,613,536 alleles (0.0087%); highest among the groups gnomAD compares: Non-Finnish European, 0.012%; no homozygotes.

Submissions (3):

Ambry Genetics
Classification: Uncertain significance for Inborn genetic diseases. Last evaluated: 2023-03-06. Review status: criteria provided, single submitter. Criteria: Ambry Variant Classification Scheme 2023. Collection method: clinical testing. Allele origin: germline.

Labcorp Genetics (formerly Invitae), Labcorp
Classification: Uncertain significance. Last evaluated: 2022-06-12. Review status: criteria provided, single submitter. Criteria: Invitae Variant Classification Sherloc (09022015). Collection method: clinical testing. Allele origin: germline.
Comment: This sequence change replaces glutamine, which is neutral and polar, with histidine, which is basic and polar, at codon 433 of the GGCX protein (p.Gln433His). This variant is present in population databases (rs184476736, gnomAD 0.01%). This variant has not been reported in the literature in individuals affected with GGCX-related conditions. ClinVar contains an entry for this variant (Variation ID: 896483). Algorithms developed to predict the effect of missense changes on protein structure and function (SIFT, PolyPhen-2, Align-GVGD) all suggest that this variant is likely to be tolerated. In summary, the available evidence is currently insufficient to determine the role of this variant in disease. Therefore, it has been classified as a Variant of Uncertain Significance.

Illumina Laboratory Services, Illumina
Classification: Uncertain significance for Vitamin K-dependent clotting factors, combined deficiency of, type 1. Last evaluated: 2018-01-12. Review status: criteria provided, single submitter. Criteria: ICSL Variant Classification Criteria 13 December 2019. Collection method: clinical testing. Allele origin: germline.

NM_000821.7(GGCX):c.1299G>C (p.Gln433His)

Gene: GGCX (gamma-glutamyl carboxylase; minus strand). Cytogenetic location: 2p11.2.
Variant type: single nucleotide variant.
Coding change: c.1299G>C on transcript NM_000821.7 (MANE Select); coding-DNA position 1299, G replaced by C.
Protein change: p.Gln433His; replaces glutamine 433 with histidine.
Molecular consequence: missense variant.
Genome position (GRCh38, 1-based): chr2:85,552,556, C>G on the plus strand (G>C on the coding strand, the complement: GGCX is on the minus strand). VCF-style: chr2-85552556-C-G. GRCh37 (hg19) VCF-style: chr2-85779679-C-G.
Other names: c.1128G>C, p.Gln376His (NM_001142269.4); short protein forms Q433H, Q376H.
Identifiers: ClinVar variation 896483 (VCV000896483.10), dbSNP rs184476736, ClinGen allele CA1741849.